The following is an entry in ClinVar:

NM_012293.3(PXDN):c.3655G>T (p.Val1219Leu)

Gene: PXDN (peroxidasin; minus strand). Cytogenetic location: 2p25.3.
Variant type: single nucleotide variant.
Coding change: c.3655G>T on transcript NM_012293.3 (MANE Select); coding-DNA position 3655, G replaced by T.
Protein change: p.Val1219Leu; replaces valine 1219 with leucine.
Molecular consequence: missense variant.
Genome position (GRCh38, 1-based): chr2:1,644,706, C>A on the plus strand (G>T on the coding strand, the complement: PXDN is on the minus strand). VCF-style: chr2-1644706-C-A. GRCh37 (hg19) VCF-style: chr2-1648478-C-A.
Other names: c.3655G>T (NM_012293.1); short protein forms V1219L.
Identifiers: ClinVar variation 567848 (VCV000567848.9), dbSNP rs372395551, ClinGen allele CA1512658.

ClinVar aggregate classification (germline): Uncertain significance. Review status: criteria provided, multiple submitters, no conflicts (2 of 4 stars). 2 submissions from 2 submitters: Uncertain significance (2). Last evaluated 2023-02-06.

Conditions:
Anterior segment dysgenesis 7 (ASGD7). Also called: SCLEROCORNEA WITH OTHER OCULAR ANOMALIES; Anterior segment dysgenesis 7, with sclerocornea. Identifiers: Orphanet 289499, MedGen C3151617, MONDO:0010015, OMIM 269400.
Inborn genetic diseases. Identifiers: MedGen C0950123, MeSH D030342.

Allele frequency attached by ClinVar (database versions not stated): TOPMed 0.00001; gnomAD 0.00005 and 0.00006; ESP Exome Variant Server 0.00008.
gnomAD v4.1: 80 of 1,599,610 alleles (0.005%); highest among the groups gnomAD compares: Non-Finnish European, 0.0051%; no homozygotes.

Submissions (2):

Labcorp Genetics (formerly Invitae), Labcorp
Classification: Uncertain significance for Anterior segment dysgenesis 7. Last evaluated: 2023-02-06. Review status: criteria provided, single submitter. Criteria: Invitae Variant Classification Sherloc (09022015). Collection method: clinical testing. Allele origin: germline.
Comment: This sequence change replaces valine, which is neutral and non-polar, with leucine, which is neutral and non-polar, at codon 1219 of the PXDN protein (p.Val1219Leu). This variant is present in population databases (rs372395551, gnomAD 0.06%). This variant has not been reported in the literature in individuals affected with PXDN-related conditions. ClinVar contains an entry for this variant (Variation ID: 567848). Advanced modeling of protein sequence and biophysical properties (such as structural, functional, and spatial information, amino acid conservation, physicochemical variation, residue mobility, and thermodynamic stability) performed at Invitae indicates that this missense variant is not expected to disrupt PXDN protein function. In summary, the available evidence is currently insufficient to determine the role of this variant in disease. Therefore, it has been classified as a Variant of Uncertain Significance.

Ambry Genetics
Classification: Uncertain significance for Inborn genetic diseases. Last evaluated: 2022-12-08. Review status: criteria provided, single submitter. Criteria: Ambry Variant Classification Scheme 2023. Collection method: clinical testing. Allele origin: germline.